The following is an entry in ClinVar:

NM_001378418.1(TCF20):c.4823A>G (p.Gln1608Arg)

Gene: TCF20 (transcription factor 20; minus strand). Cytogenetic location: 22q13.2.
Variant type: single nucleotide variant.
Coding change: c.4823A>G on transcript NM_001378418.1 (MANE Select); coding-DNA position 4823, A replaced by G.
Protein change: p.Gln1608Arg; replaces glutamine 1608 with arginine.
Molecular consequence: missense variant.
Genome position (GRCh38, 1-based): chr22:42,210,483, T>C on the plus strand (A>G on the coding strand, the complement: TCF20 is on the minus strand). VCF-style: chr22-42210483-T-C. GRCh37 (hg19) VCF-style: chr22-42606489-T-C.
Other names: c.4823A>G, p.Gln1608Arg (NM_005650.4, NM_181492.3); short protein forms Q1608R.
Identifiers: ClinVar variation 2970634 (VCV002970634.3), dbSNP rs2518203834, ClinGen allele CA411783218.

ClinVar aggregate classification (germline): Uncertain significance (1 of 4 stars; one submission).

Allele frequency attached by ClinVar (database versions not stated): gnomAD exomes below 0.00001.
gnomAD v4.1: 1 of 1,614,238 alleles (0.000062%); highest among the groups gnomAD compares: Admixed American, 0.0017%; no homozygotes.

Submission:

Labcorp Genetics (formerly Invitae), Labcorp
Classification: Uncertain significance. Last evaluated: 2023-04-23. Review status: criteria provided, single submitter. Criteria: Invitae Variant Classification Sherloc (09022015). Collection method: clinical testing. Allele origin: germline.
Comment: In summary, the available evidence is currently insufficient to determine the role of this variant in disease. Therefore, it has been classified as a Variant of Uncertain Significance. An algorithm developed to predict the effect of missense changes on protein structure and function (PolyPhen-2) suggests that this variant is likely to be disruptive. This variant has not been reported in the literature in individuals affected with TCF20-related conditions. This variant is not present in population databases (gnomAD no frequency). This sequence change replaces glutamine, which is neutral and polar, with arginine, which is basic and polar, at codon 1608 of the TCF20 protein (p.Gln1608Arg).